The following is an entry in ClinVar:

ClinVar aggregate classification (germline): Uncertain significance (1 of 4 stars; one submission).

Submission:

GeneDx
Classification: Uncertain significance. Last evaluated: 2019-04-19. Review status: criteria provided, single submitter. Criteria: GeneDx Variant Classification Process June 2021. Collection method: clinical testing. Allele origin: germline. Affected: yes.
Comment: Not observed in large population cohorts (Lek et al., 2016); In silico analysis, which includes splice predictors and evolutionary conservation, supports that this variant does not alter protein structure/function; Has not been previously published as pathogenic or benign to our knowledge

NM_001171.6(ABCC6):c.990G>A (p.Lys330=)

Gene: ABCC6 (ATP binding cassette subfamily C member 6; minus strand). Cytogenetic location: 16p13.11.
Variant type: single nucleotide variant.
Coding change: c.990G>A on transcript NM_001171.6 (MANE Select); coding-DNA position 990, G replaced by A.
Protein change: p.Lys330=; no amino-acid change (lysine 330 retained).
Molecular consequence: synonymous variant. On other transcripts: non-coding transcript variant (1).
Genome position (GRCh38, 1-based): chr16:16,203,418, C>T on the plus strand (G>A on the coding strand, the complement: ABCC6 is on the minus strand). VCF-style: chr16-16203418-C-T. GRCh37 (hg19) VCF-style: chr16-16297275-C-T.
Other names: c.648G>A, p.Lys216= (NM_001351800.1).
Identifiers: ClinVar variation 1305405 (VCV001305405.2), dbSNP rs2152283760, ClinGen allele CA493801141.